The following is an entry in ClinVar:

NM_001287.6(CLCN7):c.8A>T (p.Asn3Ile)

Genes: CLCN7 (chloride voltage-gated channel 7; minus strand), LOC130058166 (ATAC-STARR-seq lymphoblastoid silent region 6986; plus strand). Cytogenetic location: 16p13.3.
Variant type: single nucleotide variant.
Coding change: c.8A>T on transcript NM_001287.6 (MANE Select); coding-DNA position 8, A replaced by T.
Protein change: p.Asn3Ile; replaces asparagine 3 with isoleucine.
Molecular consequence: missense variant.
Genome position (GRCh38, 1-based): chr16:1,474,967, T>A on the plus strand (A>T on the coding strand, the complement: CLCN7 is on the minus strand). VCF-style: chr16-1474967-T-A. GRCh37 (hg19) VCF-style: chr16-1524968-T-A.
Other names: c.8A>T, p.Asn3Ile (NM_001114331.3); short protein forms N3I.
Identifiers: ClinVar variation 4731046 (VCV004731046.1).

ClinVar aggregate classification (germline): Uncertain significance (1 of 4 stars; one submission).

Submission:

Labcorp Genetics (formerly Invitae), Labcorp
Classification: Uncertain significance. Last evaluated: 2025-11-19. Review status: criteria provided, single submitter. Criteria: Invitae Variant Classification Sherloc (09022015). Collection method: clinical testing. Allele origin: germline.
Comment: This sequence change replaces asparagine, which is neutral and polar, with isoleucine, which is neutral and non-polar, at codon 3 of the CLCN7 protein (p.Asn3Ile). This variant is not present in population databases (gnomAD no frequency). This variant has not been reported in the literature in individuals affected with CLCN7-related conditions. An algorithm developed to predict the effect of missense changes on protein structure and function (PolyPhen-2) suggests that this variant is likely to be disruptive. In summary, the available evidence is currently insufficient to determine the role of this variant in disease. Therefore, it has been classified as a Variant of Uncertain Significance.